The following is an entry in ClinVar:

ClinVar aggregate classification (germline): Uncertain significance (1 of 4 stars; one submission).

Conditions:
Gingival disorder. Also called: Gingival disease. Identifiers: MedGen C0017563, MONDO:0002021.

Allele frequency attached by ClinVar (database versions not stated): gnomAD 0.00006 and 0.00007; ExAC 0.00001; gnomAD exomes 0.00002 and 0.00005; TOPMed 0.00002.
gnomAD v4.1: 78 of 1,614,134 alleles (0.0048%); highest among the groups gnomAD compares: East Asian, 0.11%; no homozygotes.

Submission:

Labcorp Genetics (formerly Invitae), Labcorp
Classification: Uncertain significance for Gingival disorder. Last evaluated: 2019-10-30. Review status: criteria provided, single submitter. Criteria: Invitae Variant Classification Sherloc (09022015). Collection method: clinical testing. Allele origin: germline.
Comment: In summary, the available evidence is currently insufficient to determine the role of this variant in disease. Therefore, it has been classified as a Variant of Uncertain Significance. Algorithms developed to predict the effect of missense changes on protein structure and function output the following: SIFT: "Tolerated"; PolyPhen-2: "Benign"; Align-GVGD: "Class C0". The threonine amino acid residue is found in multiple mammalian species, suggesting that this missense change does not adversely affect protein function. These predictions have not been confirmed by published functional studies and their clinical significance is uncertain. This variant has been observed in an individual affected with periodontitis (PMID: 17927965). This variant is present in population databases (rs765164623, ExAC 0.001%). This sequence change replaces alanine with threonine at codon 212 of the FPR1 protein (p.Ala212Thr). The alanine residue is weakly conserved and there is a small physicochemical difference between alanine and threonine.

Literature cited by the submitters: PubMed 17927965.

NM_002029.4(FPR1):c.634G>A (p.Ala212Thr)

Gene: FPR1 (formyl peptide receptor 1; minus strand). Cytogenetic location: 19q13.41.
Variant type: single nucleotide variant.
Coding change: c.634G>A on transcript NM_002029.4 (MANE Select); coding-DNA position 634, G replaced by A.
Protein change: p.Ala212Thr; replaces alanine 212 with threonine.
Molecular consequence: missense variant.
Genome position (GRCh38, 1-based): chr19:51,746,361, C>T on the plus strand (G>A on the coding strand, the complement: FPR1 is on the minus strand). VCF-style: chr19-51746361-C-T. GRCh37 (hg19) VCF-style: chr19-52249614-C-T.
Other names: c.634G>A, p.Ala212Thr (NM_001193306.2); short protein forms A212T.
Identifiers: ClinVar variation 963210 (VCV000963210.11), dbSNP rs765164623, ClinGen allele CA9616413.